The following is an entry in ClinVar:

ClinVar aggregate classification (germline): Uncertain significance. Review status: criteria provided, multiple submitters, no conflicts (2 of 4 stars). 2 submissions from 2 submitters: Uncertain significance (2). Last evaluated 2024-08-17.

Conditions:
Inborn genetic diseases. Identifiers: MedGen C0950123, MeSH D030342.
Charcot-Marie-Tooth disease axonal type 2Z. Also called: CHARCOT-MARIE-TOOTH DISEASE, AXONAL, AUTOSOMAL DOMINANT, TYPE 2Z; CHARCOT-MARIE-TOOTH NEUROPATHY, TYPE 2Z. Identifiers: Orphanet 466768, MedGen C5569025, MONDO:0014736, OMIM 616688.

Allele frequency attached by ClinVar (database versions not stated): gnomAD exomes 0.00002; ExAC 0.00004; gnomAD 0.00001.
gnomAD v4.1: 38 of 1,614,018 alleles (0.0024%); highest among the groups gnomAD compares: East Asian, 0.0045%; no homozygotes.

Submissions (2):

Labcorp Genetics (formerly Invitae), Labcorp
Classification: Uncertain significance for Charcot-Marie-Tooth disease axonal type 2Z. Last evaluated: 2024-08-17. Review status: criteria provided, single submitter. Criteria: Invitae Variant Classification Sherloc (09022015). Collection method: clinical testing. Allele origin: germline.
Comment: This sequence change replaces alanine, which is neutral and non-polar, with threonine, which is neutral and polar, at codon 741 of the MORC2 protein (p.Ala741Thr). This variant is present in population databases (rs774264562, gnomAD 0.01%). This variant has not been reported in the literature in individuals affected with MORC2-related conditions. ClinVar contains an entry for this variant (Variation ID: 1787941). Invitae Evidence Modeling of protein sequence and biophysical properties (such as structural, functional, and spatial information, amino acid conservation, physicochemical variation, residue mobility, and thermodynamic stability) indicates that this missense variant is not expected to disrupt MORC2 protein function with a negative predictive value of 95%. In summary, the available evidence is currently insufficient to determine the role of this variant in disease. Therefore, it has been classified as a Variant of Uncertain Significance.

Ambry Genetics
Classification: Uncertain significance for Inborn genetic diseases. Last evaluated: 2022-04-13. Review status: criteria provided, single submitter. Criteria: Ambry Variant Classification Scheme 2023. Collection method: clinical testing. Allele origin: germline.
Comment: The p.A741T variant (also known as c.2221G>A), located in coding exon 20 of the MORC2 gene, results from a G to A substitution at nucleotide position 2221. The alanine at codon 741 is replaced by threonine, an amino acid with similar properties. This amino acid position is poorly conserved in available vertebrate species. In addition, this alteration is predicted to be tolerated by in silico analysis. Since supporting evidence is limited at this time, the clinical significance of this alteration remains unclear.

NM_001303256.3(MORC2):c.2221G>A (p.Ala741Thr)

Gene: MORC2 (MORC family CW-type zinc finger 2; minus strand). Cytogenetic location: 22q12.2.
Variant type: single nucleotide variant.
Coding change: c.2221G>A on transcript NM_001303256.3 (MANE Select); coding-DNA position 2221, G replaced by A.
Protein change: p.Ala741Thr; replaces alanine 741 with threonine.
Molecular consequence: missense variant.
Genome position (GRCh38, 1-based): chr22:30,934,164, C>T on the plus strand (G>A on the coding strand, the complement: MORC2 is on the minus strand). VCF-style: chr22-30934164-C-T. GRCh37 (hg19) VCF-style: chr22-31330151-C-T.
Other names: c.2221G>A, p.Ala741Thr (NM_001303257.2); c.2035G>A, p.Ala679Thr (NM_014941.3); short protein forms A741T, A679T.
Identifiers: ClinVar variation 1787941 (VCV001787941.7), dbSNP rs774264562, ClinGen allele CA10186733.
Genomic context (GRCh38, chr22:30,934,164, plus strand): 5'-GCTTGCACCTCTCCTTCCTCCTCTCAGCTTCCTCCTCAACTTCTTCCTCATCAGAAACTG[C>T]GACACTCCGCTTCCGACTAGGGGTAGCCTAGAGCAAGAGGAGCGTGAGGATGTGAGGGGC-3'
Protein context (NP_001290185.1, residues 731-751): PATPSRKRSV[Ala741Thr]VSDEEEVEEE